The following is an entry in ClinVar:

NM_145207.3(AFG2A):c.4T>C (p.Ser2Pro)

Gene: AFG2A (AAA ATPase AFG2A; plus strand). Cytogenetic location: 4q28.1.
Variant type: single nucleotide variant.
Coding change: c.4T>C on transcript NM_145207.3 (MANE Select); coding-DNA position 4, T replaced by C.
Protein change: p.Ser2Pro; replaces serine 2 with proline.
Molecular consequence: missense variant.
Genome position (GRCh38, 1-based): chr4:122,923,146, T>C. VCF-style: chr4-122923146-T-C. GRCh37 (hg19) VCF-style: chr4-123844301-T-C.
Other names: c.4T>C, p.Ser2Pro (NM_001317799.2, NM_001345856.2); short protein forms S2P.
Identifiers: ClinVar variation 1355099 (VCV001355099.7), dbSNP rs2125713715, ClinGen allele CA358096870.

ClinVar aggregate classification (germline): Uncertain significance (1 of 4 stars; one submission).

Conditions:
Microcephaly-intellectual disability-sensorineural hearing loss-epilepsy-abnormal muscle tone syndrome (NEDHSB). Also called: NEURODEVELOPMENTAL DISORDER WITH HEARING LOSS, SEIZURES, AND BRAIN ABNORMALITIES. Identifiers: Orphanet 457351, MedGen C4225276, MONDO:0014698, OMIM 616577.

Submission:

Labcorp Genetics (formerly Invitae), Labcorp
Classification: Uncertain significance for Microcephaly-intellectual disability-sensorineural hearing loss-epilepsy-abnormal muscle tone syndrome. Last evaluated: 2021-02-19. Review status: criteria provided, single submitter. Criteria: Invitae Variant Classification Sherloc (09022015). Collection method: clinical testing. Allele origin: germline.
Comment: This variant is not present in population databases (ExAC no frequency). This sequence change replaces serine with proline at codon 2 of the SPATA5 protein (p.Ser2Pro). The serine residue is moderately conserved and there is a moderate physicochemical difference between serine and proline. Advanced modeling of protein sequence and biophysical properties (such as structural, functional, and spatial information, amino acid conservation, physicochemical variation, residue mobility, and thermodynamic stability) performed at Invitae indicates that this missense variant is expected to disrupt SPATA5 protein function. This variant has not been reported in the literature in individuals with SPATA5-related conditions. In summary, the available evidence is currently insufficient to determine the role of this variant in disease. Therefore, it has been classified as a Variant of Uncertain Significance.